The following is an entry in ClinVar:

NM_003477.3(PDHX):c.-195_-180dup16

Gene: PDHX (pyruvate dehydrogenase complex component X; plus strand). Cytogenetic location: 11p13.
Variant type: Duplication.
Coding change: c.-195_-180dup16 on transcript NM_003477.3 (MANE Select); 195 bases upstream of the start codon through 180 bases upstream of the start codon, 16 bases duplicated (CAGCGGCGCACCTGAC).
Molecular consequence: genic upstream transcript variant. On other transcripts: 5 prime UTR variant (1).
Genome position (GRCh38, 1-based): chr11:34,916,461-34,916,476, CAGCGGCGCACCTGAC duplicated; duplicating any 16 consecutive bases within chr11:34,916,460-34,916,476 gives the same sequence; the c. name uses the placement nearest the transcript's 3' end. VCF-style (leftmost placement, unchanged base first): chr11-34916459-T-TCCAGCGGCGCACCTGA. GRCh37 (hg19) VCF-style: chr11-34938006-T-TCCAGCGGCGCACCTGA.
Other names: c.-46_-31dup (NM_001135024.2).
Identifiers: ClinVar variation 3338992 (VCV003338992.1).

ClinVar aggregate classification (germline): Uncertain significance (1 of 4 stars; one submission).

Submission:

Women's Health and Genetics/Laboratory Corporation of America, LabCorp
Classification: Uncertain significance. Last evaluated: 2024-07-09. Review status: criteria provided, single submitter. Criteria: LabCorp Variant Classification Summary - May 2015. Collection method: clinical testing. Allele origin: germline.
Comment: Variant summary: PDHX c.-195_-180dup16 is located in the untranscribed region upstream of the PDHX gene region. The variant allele was found at a frequency of 2.1e-06 in 1461808 control chromosomes. The available data on variant occurrences in the general population are insufficient to allow any conclusion about variant significance. To our knowledge, no occurrence of c.-195_-180dup16 in individuals affected with Pyruvate Dehydrogenase E3-Binding Protein Deficiency and no experimental evidence demonstrating its impact on protein function have been reported. No submitters have cited clinical-significance assessments for this variant to ClinVar. Based on the evidence outlined above, the variant was classified as uncertain significance.